The following is an entry in ClinVar:

ClinVar aggregate classification (germline): Uncertain significance (1 of 4 stars; one submission).

Submission:

Labcorp Genetics (formerly Invitae), Labcorp
Classification: Uncertain significance. Last evaluated: 2022-09-14. Review status: criteria provided, single submitter. Criteria: Invitae Variant Classification Sherloc (09022015). Collection method: clinical testing. Allele origin: germline.
Comment: This variant has not been reported in the literature in individuals affected with SCN3A-related conditions. This sequence change replaces asparagine, which is neutral and polar, with aspartic acid, which is acidic and polar, at codon 1402 of the SCN3A protein (p.Asn1402Asp). This variant is not present in population databases (gnomAD no frequency). ClinVar contains an entry for this variant (Variation ID: 1001231). Advanced modeling of protein sequence and biophysical properties (such as structural, functional, and spatial information, amino acid conservation, physicochemical variation, residue mobility, and thermodynamic stability) performed at Invitae indicates that this missense variant is expected to disrupt SCN3A protein function. In summary, the available evidence is currently insufficient to determine the role of this variant in disease. Therefore, it has been classified as a Variant of Uncertain Significance.

NM_006922.4(SCN3A):c.4204A>G (p.Asn1402Asp)

Gene: SCN3A (sodium voltage-gated channel alpha subunit 3; minus strand). Cytogenetic location: 2q24.3.
Variant type: single nucleotide variant.
Coding change: c.4204A>G on transcript NM_006922.4 (MANE Select); coding-DNA position 4204, A replaced by G.
Protein change: p.Asn1402Asp; replaces asparagine 1402 with aspartic acid.
Molecular consequence: missense variant.
Genome position (GRCh38, 1-based): chr2:165,097,287, T>C on the plus strand (A>G on the coding strand, the complement: SCN3A is on the minus strand). VCF-style: chr2-165097287-T-C. GRCh37 (hg19) VCF-style: chr2-165953797-T-C.
Other names: c.4057A>G, p.Asn1353Asp (NM_001081676.2, NM_001081677.2); short protein forms N1353D, N1402D.
Identifiers: ClinVar variation 1001231 (VCV001001231.8), dbSNP rs1685403396, ClinGen allele CA349025007.